The following is an entry in ClinVar:

NM_000038.6(APC):c.641dup (p.Gln215fs)

Gene: APC (APC regulator of Wnt signaling pathway; plus strand). Cytogenetic location: 5q22.2.
Variant type: Duplication.
Coding change: c.641dup on transcript NM_000038.6 (MANE Select); coding-DNA position 641, one base duplicated (C; older notation c.641dupC).
Protein change: p.Gln215fs; shifts the reading frame from glutamine 215.
Molecular consequence: frameshift variant. On other transcripts: 5 prime UTR variant (4), non-coding transcript variant (2).
Genome position (GRCh38, 1-based): chr5:112,780,899, C duplicated. VCF-style (leftmost placement, unchanged base first): chr5-112780898-G-GC. GRCh37 (hg19) VCF-style: chr5-112116595-G-GC.
Other names: c.641dup, p.Gln215fs (NM_001407455.1, NM_001407456.1, NM_001407458.1 and 16 more transcripts); c.671dup, p.Gln225fs (NM_001127511.3, NM_001354897.2, NM_001354902.2 and 1 more transcripts); c.566dup, p.Gln190fs (NM_001354898.2, NM_001354904.2, NM_001407451.1); c.464dup, p.Gln156fs (NM_001354900.2, NM_001354901.2, NM_001354905.2 and 1 more transcripts); c.-395dup (NM_001354906.2, NM_001407470.1, NM_001407471.1 and 1 more transcripts); short protein forms Q156fs, Q190fs, Q215fs, Q225fs.
Identifiers: ClinVar variation 2584066 (VCV002584066.2), dbSNP rs2532490808, ClinGen allele CA658760510.

ClinVar aggregate classification (germline): Pathogenic (1 of 4 stars; one submission).

Conditions:
Familial adenomatous polyposis 1 (FAP1). Also called: FAMILIAL ADENOMATOUS POLYPOSIS 1, ATTENUATED; POLYPOSIS, ADENOMATOUS INTESTINAL. Identifiers: MedGen C2713442, MONDO:0021056, OMIM 175100. Disease mechanism: loss of function.

Submission:

Myriad Genetics, Inc.
Classification: Pathogenic for Familial adenomatous polyposis 1. Last evaluated: 2023-04-27. Review status: criteria provided, single submitter. Criteria: Myriad Autosomal Dominant, Autosomal Recessive and X-Linked Classification Criteria (2023). Collection method: clinical testing. Allele origin: unknown.
Comment: This variant is considered pathogenic. This variant creates a frameshift predicted to result in premature protein truncation.